The following is an entry in ClinVar:

ClinVar aggregate classification (germline): Uncertain significance (1 of 4 stars; one submission).

Submission:

Labcorp Genetics (formerly Invitae), Labcorp
Classification: Uncertain significance. Last evaluated: 2023-02-12. Review status: criteria provided, single submitter. Criteria: Invitae Variant Classification Sherloc (09022015). Collection method: clinical testing. Allele origin: germline.
Comment: This sequence change replaces alanine, which is neutral and non-polar, with serine, which is neutral and polar, at codon 379 of the PRPF6 protein (p.Ala379Ser). This variant is present in population databases (no rsID available, gnomAD 0.04%). This variant has not been reported in the literature in individuals affected with PRPF6-related conditions. An algorithm developed to predict the effect of missense changes on protein structure and function (PolyPhen-2) suggests that this variant is likely to be disruptive. In summary, the available evidence is currently insufficient to determine the role of this variant in disease. Therefore, it has been classified as a Variant of Uncertain Significance.

NM_012469.4(PRPF6):c.1135_1136delinsAG (p.Ala379Ser)

Gene: PRPF6 (pre-mRNA processing factor 6; plus strand). Cytogenetic location: 20q13.33.
Variant type: Indel.
Coding change: c.1135_1136delinsAG on transcript NM_012469.4 (MANE Select); coding-DNA positions 1135 to 1136, GC replaced by AG.
Protein change: p.Ala379Ser; replaces alanine 379 with serine.
Molecular consequence: missense variant.
Genome position (GRCh38, 1-based): chr20:64,001,188-64,001,189, GC replaced by AG. VCF-style: chr20-64001188-GC-AG. GRCh37 (hg19) VCF-style: chr20-62632541-GC-AG.
Other names: short protein forms A379S.
Identifiers: ClinVar variation 2867883 (VCV002867883.3), dbSNP rs2517625278, ClinGen allele CA2739277272.